The following is an entry in ClinVar:

ClinVar aggregate classification (germline): Benign. Review status: reviewed by expert panel (3 of 4 stars). 11 submissions from 11 submitters: Benign (1). 10 of the submissions do not count toward it. Last evaluated 2025-03-06.

Conditions:
Bernard Soulier syndrome (BSS). Also called: BLEEDING DISORDER, PLATELET-TYPE, 1; VON WILLEBRAND FACTOR RECEPTOR DEFICIENCY; Giant platelet syndrome; Hemorrhagiparous thrombocytic dystrophy; Giant platelet disease; Platelet Glycoprotein 1b, Deficiency of. Identifiers: Orphanet 274, MedGen C0005129, MeSH D001606, MONDO:0009276, OMIM 231200.

Allele frequency attached by ClinVar (database versions not stated): 1000 Genomes Project 0.00020; 1000 Genomes Project 30x 0.00031; ESP Exome Variant Server 0.00080; gnomAD 0.00083 and 0.00089; TOPMed 0.00093; gnomAD exomes 0.00095 and 0.00135; ExAC 0.00142.
gnomAD v4.1: 2,099 of 1,601,418 alleles (0.13%); highest among the groups gnomAD compares: Non-Finnish European, 0.16%; 2 homozygotes.

Submissions (11):

ClinGen Platelet Disorders Variant Curation Expert Panel, ClinGen
Classification: Benign for Bernard Soulier syndrome. Last evaluated: 2025-03-06. Review status: reviewed by expert panel. Criteria: ClinGen Platelet ACMG Specifications GP9 V1.0.0. Collection method: curation. Allele origin: germline. Inheritance: Autosomal recessive inheritance.
Comment: The c.368C>T variant in GP9 is a missense variant predicted to cause substitution of proline by leucine at amino acid 123 (p.Pro123Leu). The Grpmax Filtering allele frequency in gnomAD v4.1 is 0.001561 (based on 1906/1175218 alleles) in the European (non-Finnish) population, which is higher than the ClinGen PD VCEP threshold (>0.001), and therefore meets this criterion (BA1). The computational predictor REVEL gives a score of 0.196, which is below the ClinGen PD VCEP threshold of <0.290 and predicts no damaging effect on GP9 function and the computational splicing predictor SpliceAI reported a delta score 0.01 for acceptor gain (BP4_NotMet). In summary, this variant meets the criteria to be classified as benign for autosomal recessive Bernard-Soulier syndrome based on the ACMG/AMP criteria applied, as specified by the ClinGen PD VCEP: BA1.

Women's Health and Genetics/Laboratory Corporation of America, LabCorp
Classification: Uncertain significance. Last evaluated: 2025-12-26. Review status: criteria provided, single submitter. Criteria: LabCorp Variant Classification Summary - May 2015. Collection method: clinical testing. Allele origin: germline. Not counted in ClinVar's aggregate classification.
Comment: Variant summary: GP9 c.368C>T (p.Pro123Leu) results in a non-conservative amino acid change located in the cysteine-rich flanking region, C-terminal domain (IPR000483) of the encoded protein sequence. Algorithms developed to predict the effect of missense changes on protein structure and function are either unavailable or do not agree on the potential impact of this missense change. The variant allele was found at a frequency of 0.00095 in 212334 control chromosomes, predominantly at a frequency of 0.0017 within the Non-Finnish European subpopulation in the gnomAD database, including 1 homozygote. The observed variant frequency within Non-Finnish European control individuals in the gnomAD database exceeds the estimated maximal expected allele frequency for disease-causing variants in GP9. c.368C>T has been observed in the homozygous state in an individual affected with an unspecified bleeding and platelet disorder with impaired platelet aggregation (Westbury_2015) and in the heterozygous state in two severely thrombocytopenic neonates, with clinical features of fetal neonatal alloimmune thrombocytopenia with heterozygous father and mother with two wild-type alleles (Jallu_2017). Functional experiments found that cells expressing the variant protein reacted positively with maternal serum in both mAb-specific immobilization of platelet antigens and flow cytometry assays, whereas cells expressing the WT protein did not (Jallu_2017). However, as this finding is also related to the maternal serum having a selective immune response, which could be influenced by other factors, this does not allow convincing conclusions about the variant effect. The following publications have been ascertained in the context of this evaluation (PMID: 28399723, 28561420, 25949529). ClinVar contains an entry for this variant (Variation ID: 343220). Based on the evidence outlined above, the variant was classified as VUS-possibly benign.

GeneDx
Classification: Uncertain significance. Last evaluated: 2025-02-21. Review status: criteria provided, single submitter. Criteria: GeneDx Variant Classification Process June 2021. Collection method: clinical testing. Allele origin: germline. Affected: yes. Not counted in ClinVar's aggregate classification.
Comment: In silico analysis indicates that this missense variant does not alter protein structure/function; Identified in the heterozygous state in two neonates with severe thrombocytopenia and in their unaffected father (PMID: 28561420); This variant is associated with the following publications: (PMID: 28561420, 25949529, 28399723)

Mayo Clinic Laboratories, Mayo Clinic
Classification: Likely benign. Last evaluated: 2024-12-16. Review status: criteria provided, single submitter. Criteria: ACMG Guidelines, 2015. Collection method: clinical testing. Allele origin: germline. Observed: 1 variant allele. Not counted in ClinVar's aggregate classification.
Comment: BS2_supporting, BP4

Blueprint Genetics
Classification: Uncertain significance. Last evaluated: 2024-11-25. Review status: criteria provided, single submitter. Criteria: ACMG Guidelines, 2015. Collection method: clinical testing. Allele origin: germline. Not counted in ClinVar's aggregate classification.

Labcorp Genetics (formerly Invitae), Labcorp
Classification: Uncertain significance. Last evaluated: 2022-08-05. Review status: criteria provided, single submitter. Criteria: Invitae Variant Classification Sherloc (09022015). Collection method: clinical testing. Allele origin: germline. Not counted in ClinVar's aggregate classification.
Comment: This sequence change replaces proline, which is neutral and non-polar, with leucine, which is neutral and non-polar, at codon 123 of the GP9 protein (p.Pro123Leu). This variant is present in population databases (rs202229101, gnomAD 0.2%), and has an allele count higher than expected for a pathogenic variant. This missense change has been observed in individual(s) with neonatal thrombocytopenia (PMID: 28561420). ClinVar contains an entry for this variant (Variation ID: 343220). Algorithms developed to predict the effect of missense changes on protein structure and function are either unavailable or do not agree on the potential impact of this missense change (SIFT: "Deleterious"; PolyPhen-2: "Benign"; Align-GVGD: "Class C15"). In summary, the available evidence is currently insufficient to determine the role of this variant in disease. Therefore, it has been classified as a Variant of Uncertain Significance.

Revvity Omics, Revvity
Classification: Uncertain significance for Bernard Soulier syndrome. Last evaluated: 2021-12-09. Review status: criteria provided, single submitter. Criteria: ACMG Guidelines, 2015. Collection method: clinical testing. Allele origin: germline. Not counted in ClinVar's aggregate classification.

Fulgent Genetics
Classification: Uncertain significance for Bernard Soulier syndrome. Last evaluated: 2021-07-16. Review status: criteria provided, single submitter. Criteria: ACMG Guidelines, 2015. Collection method: clinical testing. Allele origin: unknown. Not counted in ClinVar's aggregate classification.

Genetic Services Laboratory, University of Chicago
Classification: Uncertain significance. Last evaluated: 2021-06-17. Review status: criteria provided, single submitter. Criteria: ACMG Guidelines, 2015. Collection method: clinical testing. Allele origin: germline. Affected: no. Not counted in ClinVar's aggregate classification.
Comment: This sequence change has been described in the gnomAD database with a relatively high population frequency of 0.16% in non-Finnish European subpopulation (dbSNP rs202229101). This sequence change was identified in the heterozygous state in two neonates with severe thrombocytopenia (PMID: 28561420). In vitro studies showed that maternal serum reacted with the p.Pro123Leu variant expressed in HEK293 cells. The authors suggested that the alloantigen for the variant was responsible for maternofetal alloimmunization and very severe thrombocytopenia in the neonates. The p.Pro123Leu change affects a highly conserved amino acid residue located in a domain of the GP9 protein that is known to be functional. In-silico pathogenicity prediction tools (SIFT, PolyPhen2, Align GVGD, REVEL) provide contradictory results for the p.Pro123Leu substitution. Due to these contrasting evidences, the clinical significance of the p.Pro123Leu change remains unknown at this time.

Illumina Laboratory Services, Illumina
Classification: Uncertain significance for Bernard Soulier syndrome. Last evaluated: 2018-01-13. Review status: criteria provided, single submitter. Criteria: ICSL Variant Classification Criteria 13 December 2019. Collection method: clinical testing. Allele origin: germline. Not counted in ClinVar's aggregate classification.

Zotz-Klimas Genetics Lab, MVZ Zotz Klimas
Classification: Uncertain significance for Bernard Soulier syndrome. Last evaluated: 2023-10-09. Review status: no assertion criteria provided. Collection method: clinical testing. Allele origin: germline. Affected: yes. Not counted in ClinVar's aggregate classification.

Literature cited by the submitters: PubMed 28399723 (cited by Women's Health and Genetics/Laboratory Corporation of America, LabCorp); PubMed 25949529 (cited by Women's Health and Genetics/Laboratory Corporation of America, LabCorp and Mayo Clinic Laboratories, Mayo Clinic); PubMed 28561420 (cited by Women's Health and Genetics/Laboratory Corporation of America, LabCorp and Labcorp Genetics (formerly Invitae), Labcorp).

NM_000174.5(GP9):c.368C>T (p.Pro123Leu)

Gene: GP9 (glycoprotein IX platelet; plus strand). Cytogenetic location: 3q21.3.
Variant type: single nucleotide variant.
Coding change: c.368C>T on transcript NM_000174.5 (MANE Select); coding-DNA position 368, C replaced by T.
Protein change: p.Pro123Leu; replaces proline 123 with leucine.
Molecular consequence: missense variant.
Genome position (GRCh38, 1-based): chr3:129,062,107, C>T. VCF-style: chr3-129062107-C-T. GRCh37 (hg19) VCF-style: chr3-128780950-C-T.
Other names: NM_000174.5(GP9):c.368C>T; p.Pro123Leu; short protein forms P123L.
Identifiers: ClinVar variation 343220 (VCV000343220.21), dbSNP rs202229101, ClinGen allele CA2602698.